The following is an entry in ClinVar:

NM_017617.5(NOTCH1):c.1670-8C>T

Gene: NOTCH1 (notch receptor 1; minus strand). Cytogenetic location: 9q34.3.
Variant type: single nucleotide variant.
Coding change: c.1670-8C>T on transcript NM_017617.5 (MANE Select); 8 bases into the intron before coding-DNA position 1670, C replaced by T.
Molecular consequence: intron variant.
Genome position (GRCh38, 1-based): chr9:136,515,724, G>A on the plus strand (C>T on the coding strand, the complement: NOTCH1 is on the minus strand). VCF-style: chr9-136515724-G-A. GRCh37 (hg19) VCF-style: chr9-139410176-G-A.
Other names: c.1670-8C>T (NM_017617.4).
Identifiers: ClinVar variation 697885 (VCV000697885.12), dbSNP rs527374781, ClinGen allele CA5341661.

ClinVar aggregate classification (germline): Likely benign. Review status: criteria provided, multiple submitters, no conflicts (2 of 4 stars). 3 submissions from 3 submitters: Likely benign (2). 1 of the submissions does not count toward it. Last evaluated 2026-02-02.

Conditions:
NOTCH1-related disorder. Also called: NOTCH1-related condition; NOTCH1-related disorders.
Adams-Oliver syndrome 5 (AOS5). Identifiers: Orphanet 974, MedGen C4014970, MONDO:0014459, OMIM 616028.

Allele frequency attached by ClinVar (database versions not stated): gnomAD exomes 0.00003 and 0.00004; gnomAD 0.00004 and 0.00005; ExAC 0.00005; TOPMed 0.00005; 1000 Genomes Project 30x 0.00016; 1000 Genomes Project 0.00020.

Submissions (3):

Labcorp Genetics (formerly Invitae), Labcorp
Classification: Likely benign for Adams-Oliver syndrome 5. Last evaluated: 2026-02-02. Review status: criteria provided, single submitter. Criteria: Invitae Variant Classification Sherloc (09022015). Collection method: clinical testing. Allele origin: germline.

Blueprint Genetics
Classification: Likely benign. Last evaluated: 2024-02-21. Review status: criteria provided, single submitter. Criteria: ACMG Guidelines, 2015. Collection method: clinical testing. Allele origin: germline.

PreventionGenetics, part of Exact Sciences
Classification: Likely benign for NOTCH1-related condition. Last evaluated: 2019-07-15. Review status: no assertion criteria provided. Collection method: clinical testing. Allele origin: germline. Not counted in ClinVar's aggregate classification.
Comment: This variant is classified as likely benign based on ACMG/AMP sequence variant interpretation guidelines (Richards et al. 2015 PMID: 25741868, with internal and published modifications).